The following is an entry in ClinVar:

ClinVar aggregate classification (germline): Likely pathogenic (1 of 4 stars; one submission).

Conditions:
Congenital myotonia, autosomal recessive form. Also called: BECKER DISEASE; Becker Generalized Myotonia; myotonia congenita, autosomal recessive. Identifiers: Orphanet 614, MedGen C0751360, MONDO:0009715, OMIM 255700.

Submission:

3billion
Classification: Likely pathogenic for Congenital myotonia, autosomal recessive form. Last evaluated: 2026-01-15. Review status: criteria provided, single submitter. Criteria: ACMG Guidelines, 2015. Collection method: clinical testing. Allele origin: germline. Affected: yes.
Comment: The variant is not observed in the gnomAD v4.1.0 dataset. Predicted Consequence/Location: Frameshift: predicted to result in a loss or disruption of normal protein function through nonsense-mediated decay (NMD) or protein truncation. Multiple pathogenic variants are reported downstream of the variant. Therefore, this variant is classified as Likely pathogenic according to the recommendation of ACMG/AMP guideline.

NM_000083.3(CLCN1):c.1898_1899del (p.Thr633fs)

Gene: CLCN1 (chloride voltage-gated channel 1; plus strand). Cytogenetic location: 7q34.
Variant type: Microsatellite.
Coding change: c.1898_1899del on transcript NM_000083.3 (MANE Select); coding-DNA positions 1898 to 1899, 2 bases deleted (CA; older notation c.1898_1899delCA).
Protein change: p.Thr633fs; shifts the reading frame from threonine 633.
Molecular consequence: frameshift variant. On other transcripts: non-coding transcript variant (1).
Genome position (GRCh38, 1-based): chr7:143,342,473-143,342,474, CA deleted; deleting any 2 consecutive bases within chr7:143,342,471-143,342,474 gives the same sequence; the c. name uses the placement nearest the transcript's 3' end. VCF-style (leftmost placement, unchanged base first): chr7-143342470-CCA-C. GRCh37 (hg19) VCF-style: chr7-143039563-CCA-C.
Other names: short protein forms T633fs.
Identifiers: ClinVar variation 4854556 (VCV004854556.1).